The following is an entry in ClinVar:

ClinVar aggregate classification (germline): Conflicting classifications of pathogenicity. Review status: criteria provided, conflicting classifications (1 of 4 stars). 3 submissions from 3 submitters: Pathogenic (2); Uncertain significance (1). Last evaluated 2026-08-27.

Conditions:
Colorectal cancer, hereditary nonpolyposis, type 7. Identifiers: Orphanet 144, MedGen C1858380, MONDO:0013725, OMIM 614385.

Allele frequency attached by ClinVar (database versions not stated): TOPMed 0.00001.

Submissions (3):

Myriad Genetics, Inc.
Classification: Pathogenic for Colorectal cancer, hereditary nonpolyposis, type 7. Last evaluated: 2026-08-27. Review status: criteria provided, single submitter. Criteria: Myriad Autosomal Dominant, Autosomal Recessive and X-Linked Classification Criteria (2023). Collection method: clinical testing. Allele origin: unknown.
Comment: This variant is considered pathogenic. This variant creates a termination codon and is predicted to result in premature protein truncation.

Ambry Genetics
Classification: Pathogenic. Last evaluated: 2026-06-03. Review status: criteria provided, single submitter. Criteria: Ambry Variant Classification Scheme 2023. Collection method: clinical testing. Allele origin: germline.
Comment: The p.R93* pathogenic mutation (also known as c.277C>T), located in coding exon 1 of the MLH3 gene, results from a C to T substitution at nucleotide position 277. This changes the amino acid from an arginine to a stop codon within coding exon 1. This variant is considered to be rare based on population cohorts in the Genome Aggregation Database (gnomAD). This alteration is expected to result in loss of function by premature protein truncation or nonsense-mediated mRNA decay. As such, this alteration is interpreted as a disease-causing mutation.

Labcorp Genetics (formerly Invitae), Labcorp
Classification: Uncertain significance for Colorectal cancer, hereditary nonpolyposis, type 7. Last evaluated: 2022-03-02. Review status: criteria provided, single submitter. Criteria: Invitae Variant Classification Sherloc (09022015). Collection method: clinical testing. Allele origin: germline.
Comment: In summary, the available evidence is currently insufficient to determine the role of this variant in disease. Therefore, it has been classified as a Variant of Uncertain Significance. ClinVar contains an entry for this variant (Variation ID: 647819). This variant has not been reported in the literature in individuals affected with MLH3-related conditions. This variant is not present in population databases (gnomAD no frequency). This sequence change creates a premature translational stop signal (p.Arg93*) in the MLH3 gene. It is expected to result in an absent or disrupted protein product. However, the current clinical and genetic evidence is not sufficient to establish whether loss-of-function variants in MLH3 cause disease.

NM_001040108.2(MLH3):c.277C>T (p.Arg93Ter)

Gene: MLH3 (mutL homolog 3; minus strand). Cytogenetic location: 14q24.3.
Variant type: single nucleotide variant.
Coding change: c.277C>T on transcript NM_001040108.2 (MANE Select); coding-DNA position 277, C replaced by T.
Protein change: p.Arg93Ter; replaces arginine 93 with a stop codon.
Molecular consequence: nonsense.
Genome position (GRCh38, 1-based): chr14:75,049,379, G>A on the plus strand (C>T on the coding strand, the complement: MLH3 is on the minus strand). VCF-style: chr14-75049379-G-A. GRCh37 (hg19) VCF-style: chr14-75516082-G-A.
Other names: c.277C>T, p.Arg93Ter (NM_014381.3); short protein forms R93*.
Identifiers: ClinVar variation 647819 (VCV000647819.12), dbSNP rs28756978, ClinGen allele CA263653955.